The following is an entry in ClinVar:

NM_007327.4(GRIN1):c.2452A>C (p.Met818Leu)

Gene: GRIN1 (glutamate ionotropic receptor NMDA type subunit 1; plus strand). Cytogenetic location: 9q34.3.
Variant type: single nucleotide variant.
Coding change: c.2452A>C on transcript NM_007327.4 (MANE Select); coding-DNA position 2452, A replaced by C.
Protein change: p.Met818Leu; replaces methionine 818 with leucine.
Molecular consequence: missense variant.
Genome position (GRCh38, 1-based): chr9:137,163,767, A>C. VCF-style: chr9-137163767-A-C. GRCh37 (hg19) VCF-style: chr9-140058219-A-C.
Other names: c.2452A>C, p.Met818Leu (NM_000832.7, NM_021569.4); c.2515A>C, p.Met839Leu (NM_001185090.2, NM_001185091.2); short protein forms M818L, M839L.
Identifiers: ClinVar variation 472576 (VCV000472576.12), dbSNP rs1554770628, ClinGen allele CA375726216.
Genomic context (GRCh38, chr9:137,163,767, plus strand): 5'-TGGGCTGCGGCCTCCCTGGCCAGCAACTGAGGCTCTGGGTCCCGGCACACAGGGGTCTTC[A>C]TGCTGGTAGCTGGGGGCATCGTGGCCGGGATCTTCCTGATTTTCATCGAGATTGCCTACA-3'
Protein context (NP_015566.1, residues 808-828): LTFENMAGVF[Met818Leu]LVAGGIVAGI

ClinVar aggregate classification (germline): Pathogenic/Likely pathogenic. Review status: criteria provided, multiple submitters, no conflicts (2 of 4 stars). 2 submissions from 2 submitters: Pathogenic (1); Likely pathogenic (1). Last evaluated 2025-12-04.

Conditions:
Neurodevelopmental disorder with or without hyperkinetic movements and seizures, autosomal dominant. Also called: Intellectual disability, autosomal dominant 8. Identifiers: MedGen C3280282, MONDO:0013655, OMIM 614254.

Submissions (2):

Victorian Clinical Genetics Services, Murdoch Childrens Research Institute
Classification: Pathogenic for Neurodevelopmental disorder with or without hyperkinetic movements and seizures, autosomal dominant. Last evaluated: 2025-12-04. Review status: criteria provided, single submitter. Criteria: ACMG Guidelines, 2015. Collection method: clinical testing. Allele origin: germline. Affected: yes.
Comment: This variant is classified as Pathogenic. Evidence in support of pathogenic classification: Variant is absent from gnomAD (v2, v3 and v4); This variant has moderate previous evidence of pathogenicity in unrelated individuals. This variant has been classified as likely pathogenic by a clinical laboratory in ClinVar, in a de novo individual with a GRIN1-related condition. It has also been reported in the literature in an individual with persistent epileptic spasms (PMID: 37583270); Other missense variant(s) comparable to the one identified in this case have moderate previous evidence for pathogenicity. p.(Met818Arg) has been classified as likely pathogenic by a clinical laboratory in Clinvar. Additionally, p.(Met818Val) has been reported in the literature in an individual with GRIN1-related features (PMID: 34884460). - Variant is located in a hotspot region or cluster of PATHOGENIC variants (DECIPHER). Evidence in support of benign classification: Missense variant predicted to be tolerated by in silico tool(s) or not conserved in placental mammals with a minor amino acid change. Additional information: Variant is predicted to result in a missense amino acid change from Met to Leu; This variant is heterozygous; This gene is associated with both recessive and dominant disease. Missense located mostly in the N-terminal domain and NMD-predicted variants tend to be associated with autosomal recessive disease and a loss of function mechanism. Missense variants with gain of function and dominant negative consequences on protein function, usually found in the C-terminal domain, tend to be associated with dominant disease (PMID: 27164704, PMID: 29365063, OMIM); No published evidence of segregation with disease has been identified for this variant; No published functional evidence has been identified for this variant; Dominant negative, loss of function and gain of function are reported mechanisms of disease in this gene and have been associated with both autosomal dominant and recessive neurodevelopmental disorder with or without hyperkinetic movements and seizures (MIM#614254, MIM#617820).

Labcorp Genetics (formerly Invitae), Labcorp
Classification: Likely pathogenic for Neurodevelopmental disorder with or without hyperkinetic movements and seizures, autosomal dominant. Last evaluated: 2019-07-16. Review status: criteria provided, single submitter. Criteria: Invitae Variant Classification Sherloc (09022015). Collection method: clinical testing. Allele origin: germline.
Comment: In summary, the currently available evidence indicates that the variant is pathogenic, but additional data are needed to prove that conclusively. Therefore, this variant has been classified as Likely Pathogenic. Algorithms developed to predict the effect of missense changes on protein structure and function (SIFT, PolyPhen-2, Align-GVGD) all suggest that this variant is likely to be tolerated, but these predictions have not been confirmed by published functional studies and their clinical significance is uncertain. This variant has been observed to be de novo in an individual with clinical features of GRIN1-related conditions (Invitae). This variant is not present in population databases (ExAC no frequency). This sequence change replaces methionine with leucine at codon 818 of the GRIN1 protein (p.Met818Leu). The methionine residue is moderately conserved and there is a small physicochemical difference between methionine and leucine.

Literature cited by the submitters: PubMed 29365063 (cited by Victorian Clinical Genetics Services, Murdoch Childrens Research Institute); PubMed 34884460 (cited by Victorian Clinical Genetics Services, Murdoch Childrens Research Institute); PubMed 27164704 (cited by Victorian Clinical Genetics Services, Murdoch Childrens Research Institute); PubMed 37583270 (cited by Victorian Clinical Genetics Services, Murdoch Childrens Research Institute).